The following is an entry in ClinVar:

NM_001065.4(TNFRSF1A):c.563G>C (p.Ser188Thr)

Gene: TNFRSF1A (TNF receptor superfamily member 1A; minus strand). Cytogenetic location: 12p13.31.
Variant type: single nucleotide variant.
Coding change: c.563G>C on transcript NM_001065.4 (MANE Select); coding-DNA position 563, G replaced by C.
Protein change: p.Ser188Thr; replaces serine 188 with threonine.
Molecular consequence: missense variant.
Genome position (GRCh38, 1-based): chr12:6,330,915, C>G on the plus strand (G>C on the coding strand, the complement: TNFRSF1A is on the minus strand). VCF-style: chr12-6330915-C-G. GRCh37 (hg19) VCF-style: chr12-6440081-C-G.
Other names: c.239G>C, p.Ser80Thr (NM_001346091.2); c.104G>C, p.Ser35Thr (NM_001346092.2); short protein forms S35T, S188T, S80T.
Identifiers: ClinVar variation 2604159 (VCV002604159.4), dbSNP rs1228966267, ClinGen allele CA383548155.

ClinVar aggregate classification (germline): Conflicting classifications of pathogenicity. Review status: criteria provided, conflicting classifications (1 of 4 stars). 2 submissions from 2 submitters: Uncertain significance (1); Likely benign (1). Last evaluated 2024-07-15.

Conditions:
TNF receptor-associated periodic fever syndrome (TRAPS) (FPF). Also called: FAMILIAL HIBERNIAN FEVER; TNF RECEPTOR-ASSOCIATED PERIODIC SYNDROME; TUMOR NECROSIS FACTOR RECEPTOR-ASSOCIATED PERIODIC SYNDROME; TNF Receptor-Associated Periodic Fever Syndrome; TNF receptor 1-associated periodic fever syndrome; Autosomal Dominant Familial Periodic Fever. Identifiers: Orphanet 32960, MedGen C1275126, MONDO:0007727, OMIM 142680.
Inborn genetic diseases. Identifiers: MedGen C0950123, MeSH D030342.

Submissions (2):

Labcorp Genetics (formerly Invitae), Labcorp
Classification: Uncertain significance for TNF receptor-associated periodic fever syndrome (TRAPS). Last evaluated: 2024-07-15. Review status: criteria provided, single submitter. Criteria: Invitae Variant Classification Sherloc (09022015). Collection method: clinical testing. Allele origin: germline.
Comment: This sequence change replaces serine, which is neutral and polar, with threonine, which is neutral and polar, at codon 188 of the TNFRSF1A protein (p.Ser188Thr). This variant is not present in population databases (gnomAD no frequency). This variant has not been reported in the literature in individuals affected with TNFRSF1A-related conditions. ClinVar contains an entry for this variant (Variation ID: 2604159). An algorithm developed to predict the effect of missense changes on protein structure and function outputs the following: PolyPhen-2: "Benign". The threonine amino acid residue is found in multiple mammalian species, which suggests that this missense change does not adversely affect protein function. In summary, the available evidence is currently insufficient to determine the role of this variant in disease. Therefore, it has been classified as a Variant of Uncertain Significance.

Ambry Genetics
Classification: Likely benign for Inborn genetic diseases. Last evaluated: 2023-06-16. Review status: criteria provided, single submitter. Criteria: Ambry Variant Classification Scheme 2023. Collection method: clinical testing. Allele origin: germline.